The following is an entry in ClinVar:

ClinVar aggregate classification (germline): Uncertain significance. Review status: criteria provided, single submitter (1 of 4 stars). 2 submissions from 2 submitters: Uncertain significance (1). 1 of the submissions does not count toward it. Last evaluated 2022-05-25.

Conditions:
Retinal dystrophy. Also called: Inherited retinal dystrophy. Identifiers: Orphanet 71862, MedGen C0854723, MeSH D058499, MONDO:0019118, HP:0000556.

Submissions (2):

Labcorp Genetics (formerly Invitae), Labcorp
Classification: Uncertain significance. Last evaluated: 2022-05-25. Review status: criteria provided, single submitter. Criteria: Invitae Variant Classification Sherloc (09022015). Collection method: clinical testing. Allele origin: germline.
Comment: This variant, c.931_933del, results in the deletion of 1 amino acid(s) of the PLK4 protein (p.Arg311del), but otherwise preserves the integrity of the reading frame. This variant is present in population databases (no rsID available, gnomAD 0.003%). This variant has not been reported in the literature in individuals affected with PLK4-related conditions. Experimental studies and prediction algorithms are not available or were not evaluated, and the functional significance of this variant is currently unknown. In summary, the available evidence is currently insufficient to determine the role of this variant in disease. Therefore, it has been classified as a Variant of Uncertain Significance.

Institute of Human Genetics, Univ. Regensburg, Univ. Regensburg
Classification: Uncertain significance for Retinal dystrophy. Last evaluated: 2022-01-01. Review status: no assertion criteria provided. Criteria: ACMG Guidelines, 2015. Collection method: clinical testing. Allele origin: germline. Affected: yes. Not counted in ClinVar's aggregate classification.

NM_014264.5(PLK4):c.928AGA[1] (p.Arg311del)

Gene: PLK4 (polo like kinase 4; plus strand). Cytogenetic location: 4q28.1.
Variant type: Microsatellite.
Coding change: c.928AGA[1] on transcript NM_014264.5 (MANE Select); one copy of the 3-base unit AGA starting at c.928; the reference has two copies in a row; one copy, 3 bases deleted; also written c.931_933del.
Protein change: p.Arg311del; deletes arginine 311.
Molecular consequence: inframe deletion.
Genome position (GRCh38, 1-based): chr4:127,886,301-127,886,303, AGA deleted; deleting any 3 consecutive bases within chr4:127,886,297-127,886,303 gives the same sequence; the position shown is the placement nearest the transcript's 3' end. VCF-style (leftmost placement, unchanged base first): chr4-127886296-AAAG-A. GRCh37 (hg19) VCF-style: chr4-128807451-AAAG-A.
Other names: c.832AGA[1], p.Arg279del (NM_001190799.2); c.805AGA[1], p.Arg270del (NM_001190801.2); c.931_933del (NM_014264.5); short protein forms R270del, R279del, R311del.
Identifiers: ClinVar variation 1007189 (VCV001007189.3), dbSNP rs1378147525, ClinGen allele CA555019755.